The following is an entry in ClinVar:

ClinVar aggregate classification (germline): Likely benign. Review status: criteria provided, single submitter (1 of 4 stars). 2 submissions from 2 submitters: Likely benign (1). 1 of the submissions does not count toward it. Last evaluated 2024-10-25.

Conditions:
KCNQ1-related disorder. Also called: KCNQ1-related condition; KCNQ1-related disorders. Identifiers: MedGen CN239322.

Allele frequency attached by ClinVar (database versions not stated): gnomAD exomes 0.00166; 1000 Genomes Project 0.00579; 1000 Genomes Project 30x 0.00640; gnomAD 0.00641; TOPMed 0.00772.
gnomAD v4.1: 1,414 of 398,712 alleles (0.35%); highest among the groups gnomAD compares: African/African-American, 1.8%; 14 homozygotes.

Submissions (2):

Blueprint Genetics
Classification: Likely benign. Last evaluated: 2024-10-25. Review status: criteria provided, single submitter. Criteria: ACMG Guidelines, 2015. Collection method: clinical testing. Allele origin: germline.

PreventionGenetics, part of Exact Sciences
Classification: Benign for KCNQ1-related condition. Last evaluated: 2020-01-08. Review status: no assertion criteria provided. Collection method: clinical testing. Allele origin: germline. Not counted in ClinVar's aggregate classification.
Comment: This variant is classified as benign based on ACMG/AMP sequence variant interpretation guidelines (Richards et al. 2015 PMID: 25741868, with internal and published modifications).

NM_000218.3(KCNQ1):c.1514+7029T>C

Genes: KCNQ1 (potassium voltage-gated channel subfamily Q member 1; plus strand), KCNQ1OT1 (KCNQ1 opposite strand/antisense transcript 1; minus strand). Cytogenetic location: 11p15.5.
Variant type: single nucleotide variant.
Coding change: c.1514+7029T>C on transcript NM_000218.3 (MANE Select); 7029 bases into the intron after coding-DNA position 1514, T replaced by C.
Molecular consequence: intron variant. On other transcripts: non-coding transcript variant (1).
Genome position (GRCh38, 1-based): chr11:2,669,110, T>C. VCF-style: chr11-2669110-T-C. GRCh37 (hg19) VCF-style: chr11-2690340-T-C.
Other names: c.1244+7029T>C (NM_001406837.1); c.1418+7029T>C (NM_001406836.1); c.974+7029T>C (NM_001406838.1); c.1133+7029T>C (NM_181798.2).
Identifiers: ClinVar variation 3033157 (VCV003033157.3), dbSNP rs190337886, ClinGen allele CA216176884.